The following is an entry in ClinVar:

ClinVar aggregate classification (germline): Pathogenic. Review status: criteria provided, multiple submitters, no conflicts (2 of 4 stars). 2 submissions from 2 submitters: Pathogenic (2). Last evaluated 2026-02-14.

Conditions:
Usher syndrome type 2A. Also called: RETINAL DISEASE IN USHER SYNDROME TYPE IIA, MODIFIER OF; USHER SYNDROME, TYPE IIA. Identifiers: Orphanet 231178, Orphanet 886, MedGen C1848634, MONDO:0010169, OMIM 276901.
USH2A-related disorder. Also called: USH2A-related condition; USH2A-related disorders. Identifiers: MedGen CN239332.

Submissions (2):

Myriad Genetics, Inc.
Classification: Pathogenic for USH2A-related disorder. Last evaluated: 2026-02-14. Review status: criteria provided, single submitter. Criteria: Myriad Autosomal Dominant, Autosomal Recessive and X-Linked Classification Criteria (2023). Collection method: clinical testing. Allele origin: unknown.
Comment: NM_206933.2(USH2A):c.545_548delAAGA(K182Rfs*9) is expected to be pathogenic in the context of USH2A-related disorders. This variant is predicted to lead to an abnormal or absent protein product due to the creation of a premature termination codon in USH2A, a gene where loss-of-function variants are known to be pathogenic. Please note: this variant was assessed in the context of healthy population screening.

Natera, Inc.
Classification: Pathogenic for Usher syndrome type 2A. Last evaluated: 2026-01-16. Review status: criteria provided, single submitter. Criteria: Natera Variant Classification Schema (03/2026). Collection method: clinical testing. Allele origin: germline.
Comment: The c.545_548del variant in USH2A is a frameshift variant predicted to shift the reading frame beginning at codon 182 and leads to a stop codon 9 codons downstream. This variant is expected to result in nonsense mediated decay, truncation, or a dysfunctional protein product. This variant is rare in the general population with a frequency below the threshold expected for the associated phenotype(s). This variant has been observed in one or more individuals affected with the associated recessive disease, as either homozygous or compound heterozygous with a second variant (PMID: 28127548). Given the available evidence, this variant is classified as Pathogenic.

Literature cited by the submitters: PubMed 28127548 (cited by Natera, Inc.).

NM_206933.4(USH2A):c.545_548del (p.Lys182fs)

Gene: USH2A (usherin; minus strand). Cytogenetic location: 1q41.
Variant type: Deletion.
Coding change: c.545_548del on transcript NM_206933.4 (MANE Select); coding-DNA positions 545 to 548, 4 bases deleted (AAGA; older notation c.545_548delAAGA).
Protein change: p.Lys182fs; shifts the reading frame from lysine 182.
Molecular consequence: frameshift variant.
Genome position (GRCh38, 1-based): chr1:216,418,617-216,418,620, TCTT deleted on the plus strand (AAGA on the coding strand, the reverse complement: USH2A is on the minus strand); deleting any 4 consecutive bases within chr1:216,418,617-216,418,623 gives the same sequence; the c. name uses the placement nearest the transcript's 3' end. VCF-style (leftmost placement, unchanged base first): chr1-216418616-CTCTT-C. GRCh37 (hg19) VCF-style: chr1-216591958-CTCTT-C.
Other names: c.545_548del, p.Lys182fs (NM_007123.6); short protein forms K182fs.
Identifiers: ClinVar variation 4817131 (VCV004817131.2).
Genomic context (GRCh38, chr1:216,418,616, plus strand): 5'-CAGTGTCATTACTTTTATTGGAGGTTGCAAACCATTTACTGTGCGATAATAAAACATGGT[CTCTT>C]TCTCAGATATTGTAAGTTTGAACACAATCTGCCCATCTACTGTCTTTTCTATAACACACC-3'